The following is an entry in ClinVar:

ClinVar aggregate classification (germline): Conflicting classifications of pathogenicity. Review status: criteria provided, conflicting classifications (1 of 4 stars). 2 submissions from 2 submitters: Uncertain significance (1); Likely benign (1). Last evaluated 2026-07-28.

Conditions:
POLD1-related polyposis and colorectal cancer syndrome (CRCS10). Also called: Colorectal cancer, susceptibility to, 10; Colorectal cancer 10; COLORECTAL CANCER, SUSCEPTIBILITY TO, ON CHROMOSOME 19q. Identifiers: Orphanet 220460, MedGen C2675481, MONDO:0012953, OMIM 612591.
Hereditary cancer-predisposing syndrome. Also called: Hereditary Cancer Syndrome; Hereditary neoplastic syndrome; Neoplastic Syndromes, Hereditary; Tumor predisposition. Identifiers: Orphanet 140162, MedGen C0027672, MeSH D009386, MONDO:0015356.

Submissions (2):

Ambry Genetics
Classification: Likely benign for Hereditary cancer-predisposing syndrome. Last evaluated: 2026-07-28. Review status: criteria provided, single submitter. Criteria: Ambry Variant Classification Scheme 2023. Collection method: clinical testing. Allele origin: germline.

Labcorp Genetics (formerly Invitae), Labcorp
Classification: Uncertain significance for POLD1-related polyposis and colorectal cancer syndrome. Last evaluated: 2023-01-16. Review status: criteria provided, single submitter. Criteria: Invitae Variant Classification Sherloc (09022015). Collection method: clinical testing. Allele origin: germline.
Comment: This variant is not present in population databases (gnomAD no frequency). This sequence change replaces threonine, which is neutral and polar, with alanine, which is neutral and non-polar, at codon 626 of the POLD1 protein (p.Thr626Ala). This variant has not been reported in the literature in individuals affected with POLD1-related conditions. In summary, the available evidence is currently insufficient to determine the role of this variant in disease. Therefore, it has been classified as a Variant of Uncertain Significance. Advanced modeling of protein sequence and biophysical properties (such as structural, functional, and spatial information, amino acid conservation, physicochemical variation, residue mobility, and thermodynamic stability) performed at Invitae indicates that this missense variant is not expected to disrupt POLD1 protein function.

NM_002691.4(POLD1):c.1876A>G (p.Thr626Ala)

Gene: POLD1 (DNA polymerase delta 1, catalytic subunit; plus strand). Cytogenetic location: 19q13.33.
Variant type: single nucleotide variant.
Coding change: c.1876A>G on transcript NM_002691.4 (MANE Select); coding-DNA position 1876, A replaced by G.
Protein change: p.Thr626Ala; replaces threonine 626 with alanine.
Molecular consequence: missense variant. On other transcripts: non-coding transcript variant (1).
Genome position (GRCh38, 1-based): chr19:50,408,885, A>G. VCF-style: chr19-50408885-A-G. GRCh37 (hg19) VCF-style: chr19-50912142-A-G.
Other names: c.1876A>G (NM_002691.2); c.1876A>G, p.Thr626Ala (NM_001256849.1); c.1954A>G, p.Thr652Ala (NM_001308632.1); short protein forms T652A, T626A.
Identifiers: ClinVar variation 2794322 (VCV002794322.4), dbSNP rs2122370171, ClinGen allele CA406982138.